The following is an entry in ClinVar:

NM_024996.7(GFM1):c.502C>T (p.Pro168Ser)

Gene: GFM1 (G elongation factor mitochondrial 1; plus strand). Cytogenetic location: 3q25.32.
Variant type: single nucleotide variant.
Coding change: c.502C>T on transcript NM_024996.7 (MANE Select); coding-DNA position 502, C replaced by T.
Protein change: p.Pro168Ser; replaces proline 168 with serine.
Molecular consequence: missense variant. On other transcripts: non-coding transcript variant (3), intron variant (4).
Genome position (GRCh38, 1-based): chr3:158,646,877, C>T. VCF-style: chr3-158646877-C-T. GRCh37 (hg19) VCF-style: chr3-158364666-C-T.
Other names: c.502C>T, p.Pro168Ser (NM_001308164.2, NM_001308166.2, NM_001374355.1 and 1 more transcripts); c.277C>T, p.Pro93Ser (NM_001374357.1); c.5+1096C>T (NM_001374359.1, NM_001374360.1, NM_001374361.1); c.234+1096C>T (NM_001374358.1); short protein forms P93S, P168S.
Identifiers: ClinVar variation 1991188 (VCV001991188.5), dbSNP rs1333867171, ClinGen allele CA355176010.

ClinVar aggregate classification (germline): Uncertain significance. Review status: criteria provided, multiple submitters, no conflicts (2 of 4 stars). 2 submissions from 2 submitters: Uncertain significance (2). Last evaluated 2023-12-22.

Allele frequency attached by ClinVar (database versions not stated): gnomAD exomes 0.00001.
gnomAD v4.1: 9 of 1,614,122 alleles (0.00056%); highest among the groups gnomAD compares: Non-Finnish European, 0.00076%; no homozygotes.

Submissions (2):

Labcorp Genetics (formerly Invitae), Labcorp
Classification: Uncertain significance. Last evaluated: 2023-12-22. Review status: criteria provided, single submitter. Criteria: Invitae Variant Classification Sherloc (09022015). Collection method: clinical testing. Allele origin: germline.
Comment: This sequence change replaces proline, which is neutral and non-polar, with serine, which is neutral and polar, at codon 168 of the GFM1 protein (p.Pro168Ser). This variant is present in population databases (no rsID available, gnomAD 0.0009%). This variant has not been reported in the literature in individuals affected with GFM1-related conditions. ClinVar contains an entry for this variant (Variation ID: 1991188). Advanced modeling of protein sequence and biophysical properties (such as structural, functional, and spatial information, amino acid conservation, physicochemical variation, residue mobility, and thermodynamic stability) performed at Invitae indicates that this missense variant is expected to disrupt GFM1 protein function with a positive predictive value of 80%. In summary, the available evidence is currently insufficient to determine the role of this variant in disease. Therefore, it has been classified as a Variant of Uncertain Significance.

Blueprint Genetics
Classification: Uncertain significance. Last evaluated: 2023-06-30. Review status: criteria provided, single submitter. Criteria: ACMG Guidelines, 2015. Collection method: clinical testing. Allele origin: germline.